The following is an entry in ClinVar:

NM_000551.4(VHL):c.279C>T (p.Gly93=)

Gene: VHL (von Hippel-Lindau tumor suppressor; plus strand). Cytogenetic location: 3p25.3.
Variant type: single nucleotide variant.
Coding change: c.279C>T on transcript NM_000551.4 (MANE Select); coding-DNA position 279, C replaced by T.
Protein change: p.Gly93=; no amino-acid change (glycine 93 retained).
Molecular consequence: synonymous variant.
Genome position (GRCh38, 1-based): chr3:10,142,126, C>T. VCF-style: chr3-10142126-C-T. GRCh37 (hg19) VCF-style: chr3-10183810-C-T.
Other names: c.279C>T (NM_000551.3); c.279C>T, p.Gly93= (NM_001354723.2, NM_198156.3).
Identifiers: ClinVar variation 1046403 (VCV001046403.11), dbSNP rs1696136079, ClinGen allele CA432420503.

ClinVar aggregate classification (germline): Uncertain significance. Review status: criteria provided, multiple submitters, no conflicts (2 of 4 stars). 2 submissions from 2 submitters: Uncertain significance (2). Last evaluated 2024-06-27.

Conditions:
Hereditary cancer-predisposing syndrome. Also called: Hereditary neoplastic syndrome; Neoplastic Syndromes, Hereditary; Tumor predisposition; Hereditary Cancer Syndrome. Identifiers: Orphanet 140162, MedGen C0027672, MeSH D009386, MONDO:0015356.
Von Hippel-Lindau syndrome (VHLS). Also called: Von Hippel-Lindau; von Hippel–Lindau syndrome; VHL syndrome. Identifiers: Orphanet 892, MedGen C0019562, MONDO:0008667, OMIM 193300. Disease mechanism: loss of function.
Chuvash polycythemia. Also called: POLYCYTHEMIA, VHL-DEPENDENT. Identifiers: Orphanet 238557, MedGen C1837915, MONDO:0009892, OMIM 263400.

Allele frequency attached by ClinVar (database versions not stated): gnomAD exomes below 0.00001.
gnomAD v4.1: 2 of 1,600,254 alleles (0.00012%); highest among the groups gnomAD compares: Non-Finnish European, 0.00017%; no homozygotes.

Submissions (3):

Ambry Genetics
Classification: Uncertain significance for Hereditary cancer-predisposing syndrome. Last evaluated: 2024-06-27. Review status: criteria provided, single submitter. Criteria: Ambry Variant Classification Scheme 2023. Collection method: clinical testing. Allele origin: germline.
Comment: The c.279C>T variant (also known as p.G93G), located in coding exon 1 of the VHL gene, results from a C to T substitution at nucleotide position 279. This nucleotide substitution does not change the amino acid at codon 93. This nucleotide position is well conserved in available vertebrate species. In silico splice site analysis predicts that this alteration may result in the creation or strengthening of a novel splice donor site; however, direct evidence is insufficient at this time (Ambry internal data). Based on the available evidence, the clinical significance of this variant remains unclear.

Labcorp Genetics (formerly Invitae), Labcorp
Classification: Uncertain significance for Von Hippel-Lindau syndrome; Chuvash polycythemia. Last evaluated: 2020-07-07. Review status: criteria provided, single submitter. Criteria: Invitae Variant Classification Sherloc (09022015). Collection method: clinical testing. Allele origin: germline.
Comment: This sequence change affects codon 93 of the VHL mRNA. It is a 'silent' change, meaning that it does not change the encoded amino acid sequence of the VHL protein. This variant is not present in population databases (ExAC no frequency). This variant has not been reported in the literature in individuals with VHL-related conditions. Algorithms developed to predict the effect of sequence changes on RNA splicing suggest that this variant may create or strengthen a splice site, but this prediction has not been confirmed by published transcriptional studies. In summary, the available evidence is currently insufficient to determine the role of this variant in disease. Therefore, it has been classified as a Variant of Uncertain Significance.

Dr. Peter K. Rogan Lab, Western University
No classification provided (evidence only). Condition: Melanoma. Review status: no classification provided. Collection method: in vitro. Allele origin: not applicable. Functional consequence: retained intron. Not counted in ClinVar's aggregate classification.